The following is an entry in ClinVar:

NM_006158.5(NEFL):c.1099C>T (p.Arg367Ter)

Genes: NEFL (neurofilament light chain; minus strand), LOC126860330 (BRD4-independent group 4 enhancer GRCh37_chr8:24811677-24812876; plus strand). Cytogenetic location: 8p21.2.
Variant type: single nucleotide variant.
Coding change: c.1099C>T on transcript NM_006158.5 (MANE Select); coding-DNA position 1099, C replaced by T.
Protein change: p.Arg367Ter; replaces arginine 367 with a stop codon.
Molecular consequence: nonsense.
Genome position (GRCh38, 1-based): chr8:24,954,251, G>A on the plus strand (C>T on the coding strand, the complement: NEFL is on the minus strand). VCF-style: chr8-24954251-G-A. GRCh37 (hg19) VCF-style: chr8-24811765-G-A.
Other names: short protein forms R367*.
Identifiers: ClinVar variation 1074146 (VCV001074146.6), dbSNP rs201616934, ClinGen allele CA4681347.
Genomic context (GRCh38, chr8:24,954,251, plus strand): 5'-CAATCTCAATATCCAAAGCCATCTTCACGTTGAGGAGGTCTTGGTATTCTTTTAGGTATC[G>A]TGCCATTTCACTCTTTGTGGTCCTCAATTCATTTTCTAATTTGTTGATCGTGTCCTGTTT-3'

ClinVar aggregate classification (germline): Pathogenic/Likely pathogenic. Review status: criteria provided, multiple submitters, no conflicts (2 of 4 stars). 2 submissions from 2 submitters: Pathogenic (1); Likely pathogenic (1). Last evaluated 2024-10-29.

Conditions:
NEFL-related disorder. Also called: NEFL-related condition.
Charcot-Marie-Tooth disease type 2E (CMT2E). Also called: CHARCOT-MARIE-TOOTH NEUROPATHY, TYPE 2E; CHARCOT-MARIE-TOOTH DISEASE, AXONAL, TYPE 2E. Identifiers: Orphanet 99939, MedGen C1843225, MONDO:0011894, OMIM 607684.

Allele frequency attached by ClinVar (database versions not stated): gnomAD 0.00001; TOPMed 0.00001; ExAC 0.00006; gnomAD exomes 0.00006.
gnomAD v4.1: 21 of 1,613,310 alleles (0.0013%); highest among the groups gnomAD compares: East Asian, 0.0022%; no homozygotes.

Submissions (2):

Blueprint Genetics
Classification: Likely pathogenic for NEFL-related disorders. Last evaluated: 2024-10-29. Review status: criteria provided, single submitter. Criteria: ACMG Guidelines, 2015. Collection method: clinical testing. Allele origin: germline. Affected: yes. Observed: 3 variant alleles.

Labcorp Genetics (formerly Invitae), Labcorp
Classification: Pathogenic for Charcot-Marie-Tooth disease type 2E. Last evaluated: 2024-03-21. Review status: criteria provided, single submitter. Criteria: Invitae Variant Classification Sherloc (09022015). Collection method: clinical testing. Allele origin: germline.
Comment: This sequence change creates a premature translational stop signal (p.Arg367*) in the NEFL gene. It is expected to result in an absent or disrupted protein product. Loss-of-function variants in NEFL are known to be pathogenic (PMID: 19158810, 20039262). This variant is present in population databases (rs201616934, gnomAD 0.06%). This premature translational stop signal has been observed in individual(s) with autosomal recessive Charcot-Marie-Tooth disease (PMID: 29888333). It has also been observed to segregate with disease in related individuals. ClinVar contains an entry for this variant (Variation ID: 1074146). For these reasons, this variant has been classified as Pathogenic.

Literature cited by the submitters: PubMed 19158810 (cited by Labcorp Genetics (formerly Invitae), Labcorp); PubMed 20039262 (cited by Labcorp Genetics (formerly Invitae), Labcorp); PubMed 29888333 (cited by Labcorp Genetics (formerly Invitae), Labcorp).